The following is an entry in ClinVar:

NM_016284.5(CNOT1):c.3635A>T (p.His1212Leu)

Gene: CNOT1 (CCR4-NOT transcription complex subunit 1; minus strand). Cytogenetic location: 16q21.
Variant type: single nucleotide variant.
Coding change: c.3635A>T on transcript NM_016284.5 (MANE Select); coding-DNA position 3635, A replaced by T.
Protein change: p.His1212Leu; replaces histidine 1212 with leucine.
Molecular consequence: missense variant. On other transcripts: non-coding transcript variant (1).
Genome position (GRCh38, 1-based): chr16:58,547,570, T>A on the plus strand (A>T on the coding strand, the complement: CNOT1 is on the minus strand). VCF-style: chr16-58547570-T-A. GRCh37 (hg19) VCF-style: chr16-58581474-T-A.
Other names: c.3620A>T, p.His1207Leu (NM_001265612.2); c.3635A>T, p.His1212Leu (NM_206999.3); short protein forms H1207L, H1212L.
Identifiers: ClinVar variation 4742650 (VCV004742650.1).

ClinVar aggregate classification (germline): Uncertain significance (1 of 4 stars; one submission).

gnomAD v4.1: 1 of 1,612,462 alleles (0.000062%); highest among the groups gnomAD compares: Non-Finnish European, 0.000085%; no homozygotes.

Submission:

Labcorp Genetics (formerly Invitae), Labcorp
Classification: Uncertain significance. Last evaluated: 2025-02-06. Review status: criteria provided, single submitter. Criteria: Invitae Variant Classification Sherloc (09022015). Collection method: clinical testing. Allele origin: germline.
Comment: This sequence change replaces histidine, which is basic and polar, with leucine, which is neutral and non-polar, at codon 1207 of the CNOT1 protein (p.His1207Leu). This variant is present in population databases (rs138755732, gnomAD 0.0009%). This variant has not been reported in the literature in individuals affected with CNOT1-related conditions. An algorithm developed to predict the effect of missense changes on protein structure and function (PolyPhen-2) suggests that this variant is likely to be tolerated. In summary, the available evidence is currently insufficient to determine the role of this variant in disease. Therefore, it has been classified as a Variant of Uncertain Significance.